The following is an entry in ClinVar:

ClinVar aggregate classification (germline): Likely pathogenic (1 of 4 stars; one submission).

Conditions:
Dilated cardiomyopathy 1G (CMD1G). Identifiers: Orphanet 154, MedGen C1858763, MONDO:0011400, OMIM 604145.
Autosomal recessive limb-girdle muscular dystrophy type 2J (LGMDR10). Also called: Limb-girdle muscular dystrophy, type 2J; MUSCULAR DYSTROPHY, LIMB-GIRDLE, AUTOSOMAL RECESSIVE 10. Identifiers: Orphanet 140922, MedGen C1837342, MONDO:0012127, OMIM 608807.

gnomAD v4.1: 1 of 1,609,466 alleles (0.000062%); highest among the groups gnomAD compares: Non-Finnish European, 0.000085%; no homozygotes.

Submission:

Labcorp Genetics (formerly Invitae), Labcorp
Classification: Likely pathogenic for Dilated cardiomyopathy 1G; Autosomal recessive limb-girdle muscular dystrophy type 2J. Last evaluated: 2024-10-31. Review status: criteria provided, single submitter. Criteria: Invitae Variant Classification Sherloc (09022015). Collection method: clinical testing. Allele origin: germline.
Comment: This sequence change creates a premature translational stop signal (p.Trp19205*) in the TTN gene. While this is not anticipated to result in nonsense mediated decay, it is expected to create a truncated TTN protein. The frequency data for this variant in the population databases is considered unreliable, as metrics indicate poor data quality at this position in the gnomAD database. This variant has not been reported in the literature in individuals affected with TTN-related conditions. This variant is located in the A band of TTN (PMID: 25589632). Truncating variants in this region are significantly overrepresented in patients affected with dilated cardiomyopathy (PMID: 25589632). Truncating variants in this region have also been reported in individuals affected with autosomal recessive centronuclear myopathy (PMID: 23975875). In summary, the currently available evidence indicates that the variant is pathogenic, but additional data are needed to prove that conclusively. Therefore, this variant has been classified as Likely Pathogenic.

Literature cited by the submitters: PubMed 25589632; PubMed 23975875.

NM_001267550.2(TTN):c.57614G>A (p.Trp19205Ter)

Genes: TTN-AS1 (TTN antisense RNA 1; plus strand), TTN (titin; minus strand). Cytogenetic location: 2q31.2.
Variant type: single nucleotide variant.
Coding change: c.57614G>A on transcript NM_001267550.2 (MANE Select); coding-DNA position 57614, G replaced by A.
Protein change: p.Trp19205Ter; replaces tryptophan 19205 with a stop codon.
Molecular consequence: nonsense.
Genome position (GRCh38, 1-based): chr2:178,595,740, C>T on the plus strand (G>A on the coding strand, the complement: TTN is on the minus strand). VCF-style: chr2-178595740-C-T. GRCh37 (hg19) VCF-style: chr2-179460467-C-T.
Other names: c.52691G>A, p.Trp17564Ter (NM_001256850.1); c.30419G>A, p.Trp10140Ter (NM_003319.4); c.49910G>A, p.Trp16637Ter (NM_133378.4); c.30794G>A, p.Trp10265Ter (NM_133432.3); c.30995G>A, p.Trp10332Ter (NM_133437.4); short protein forms W10140*, W10265*, W10332*, W16637*, W17564*, W19205*.
Identifiers: ClinVar variation 3759663 (VCV003759663.2).